The following is an entry in ClinVar:

ClinVar aggregate classification (germline): Uncertain significance (1 of 4 stars; one submission).

Conditions:
Hereditary pancreatitis (PCTT). Also called: PRSS1-Related Hereditary Pancreatitis; Hereditary chronic pancreatitis. Identifiers: Orphanet 676, MedGen C0238339, MONDO:0008185, OMIM 167800.

Submission:

Ambry Genetics
Classification: Uncertain significance for Hereditary pancreatitis. Last evaluated: 2023-07-23. Review status: criteria provided, single submitter. Criteria: Ambry Variant Classification Scheme 2023. Collection method: clinical testing. Allele origin: germline.
Comment: The p.W164S variant (also known as c.491G>C), located in coding exon 5 of the CTRC gene, results from a G to C substitution at nucleotide position 491. The tryptophan at codon 164 is replaced by serine, an amino acid with highly dissimilar properties. This amino acid position is conserved. In addition, this alteration is predicted to be tolerated by in silico analysis. Since supporting evidence is limited at this time, the clinical significance of this alteration remains unclear.

NM_007272.3(CTRC):c.491G>C (p.Trp164Ser)

Gene: CTRC (chymotrypsin C; plus strand). Cytogenetic location: 1p36.21.
Variant type: single nucleotide variant.
Coding change: c.491G>C on transcript NM_007272.3 (MANE Select); coding-DNA position 491, G replaced by C.
Protein change: p.Trp164Ser; replaces tryptophan 164 with serine.
Molecular consequence: missense variant.
Genome position (GRCh38, 1-based): chr1:15,443,553, G>C. VCF-style: chr1-15443553-G-C. GRCh37 (hg19) VCF-style: chr1-15770048-G-C.
Other names: short protein forms W164S.
Identifiers: ClinVar variation 2626256 (VCV002626256.2), dbSNP rs2526297504, ClinGen allele CA338566306.